The following is an entry in ClinVar:

ClinVar aggregate classification (germline): Conflicting classifications of pathogenicity. Review status: criteria provided, conflicting classifications (1 of 4 stars). 8 submissions from 8 submitters: Uncertain significance (5); Likely benign (2). 1 of the submissions does not count toward it. Last evaluated 2025-11-17.

Conditions:
Autosomal recessive limb-girdle muscular dystrophy type 2Q (LGMDR17). Also called: MUSCULAR DYSTROPHY, LIMB-GIRDLE, AUTOSOMAL RECESSIVE 17. Identifiers: Orphanet 254361, MedGen C3150989, MONDO:0013390, OMIM 613723.
Epidermolysis bullosa simplex 5C, with pyloric atresia (EBS5C). Also called: PLEC1-Related Epidermolysis Bullosa with Pyloric Atresia; PLEC-Related Epidermolysis Bullosa with Pyloric Atresia; Epidermolysis bullosa simplex with pyloric atresia. Identifiers: Orphanet 158684, MedGen C2677349, MONDO:0012807, OMIM 612138.
Epidermolysis bullosa simplex with nail dystrophy (EBS5D). Identifiers: MedGen C4225309, MONDO:0014661, OMIM 616487.
Epidermolysis bullosa simplex, Ogna type (EBS5A). Also called: Pidermolysis bullosa simplex 5A, Ogna type; EPIDERMOLYSIS BULLOSA SIMPLEX 5A, OGNA TYPE. Identifiers: Orphanet 79401, MedGen C0432317, MONDO:0007555, OMIM 131950.
Epidermolysis bullosa simplex 5B, with muscular dystrophy (EBS5B). Also called: Epidermolysis bullosa simplex with muscular dystrophy; EPIDERMOLYSIS BULLOSA SIMPLEX AND LIMB-GIRDLE MUSCULAR DYSTROPHY. Identifiers: Orphanet 257, MedGen C2931072, MONDO:0009181, OMIM 226670.
Inborn genetic diseases. Identifiers: MedGen C0950123, MeSH D030342.
PLEC-related disorder. Also called: PLEC-related disorders; PLEC-related condition.

Allele frequency attached by ClinVar (database versions not stated): gnomAD exomes 0.00010 and 0.00023; ExAC 0.00026; gnomAD 0.00066 and 0.00073; ESP Exome Variant Server 0.00069; TOPMed 0.00086; 1000 Genomes Project 30x 0.00094; 1000 Genomes Project 0.00100.
gnomAD v4.1: 247 of 1,611,990 alleles (0.015%); highest among the groups gnomAD compares: African/African-American, 0.21%; no homozygotes.

Submissions (8):

Labcorp Genetics (formerly Invitae), Labcorp
Classification: Uncertain significance for Autosomal recessive limb-girdle muscular dystrophy type 2Q; Epidermolysis bullosa simplex, Ogna type; Epidermolysis bullosa simplex with nail dystrophy; Epidermolysis bullosa simplex 5C, with pyloric atresia; Epidermolysis bullosa simplex 5B, with muscular dystrophy. Last evaluated: 2025-11-17. Review status: criteria provided, single submitter. Criteria: Invitae Variant Classification Sherloc (09022015). Collection method: clinical testing. Allele origin: germline.
Comment: This sequence change replaces threonine, which is neutral and polar, with methionine, which is neutral and non-polar, at codon 908 of the PLEC protein (p.Thr908Met). This variant is present in population databases (rs200611519, gnomAD 0.2%). This variant has not been reported in the literature in individuals affected with PLEC-related conditions. ClinVar contains an entry for this variant (Variation ID: 386366). Invitae Evidence Modeling of protein sequence and biophysical properties (such as structural, functional, and spatial information, amino acid conservation, physicochemical variation, residue mobility, and thermodynamic stability) indicates that this missense variant is not expected to disrupt PLEC protein function with a negative predictive value of 80%. In summary, the available evidence is currently insufficient to determine the role of this variant in disease. Therefore, it has been classified as a Variant of Uncertain Significance.

Blueprint Genetics
Classification: Uncertain significance. Last evaluated: 2024-11-11. Review status: criteria provided, single submitter. Criteria: ACMG Guidelines, 2015. Collection method: clinical testing. Allele origin: germline.

Women's Health and Genetics/Laboratory Corporation of America, LabCorp
Classification: Uncertain significance. Last evaluated: 2024-08-13. Review status: criteria provided, single submitter. Criteria: LabCorp Variant Classification Summary - May 2015. Collection method: clinical testing. Allele origin: germline.
Comment: Variant summary: PLEC c.2723C>T (p.Thr908Met) results in a non-conservative amino acid change in the encoded protein sequence. Three of five in-silico tools predict a benign effect of the variant on protein function. The variant allele was found at a frequency of 0.00023 in 245558 control chromosomes, predominantly at a frequency of 0.0024 within the African or African-American subpopulation in the gnomAD database. To our knowledge, no occurrence of c.2723C>T in individuals affected with PLEC-Related Disorders and no experimental evidence demonstrating its impact on protein function have been reported. ClinVar contains an entry for this variant (Variation ID: 386366). Based on the evidence outlined above, the variant was classified as uncertain significance.

Revvity Omics, Revvity
Classification: Likely benign. Last evaluated: 2023-03-28. Review status: criteria provided, single submitter. Criteria: ACMG Guidelines, 2015. Collection method: clinical testing. Allele origin: germline.

Ambry Genetics
Classification: Uncertain significance for Inborn genetic diseases. Last evaluated: 2021-08-16. Review status: criteria provided, single submitter. Criteria: Ambry Variant Classification Scheme 2023. Collection method: clinical testing. Allele origin: germline.

Eurofins Ntd Llc (ga)
Classification: Uncertain significance. Last evaluated: 2017-06-07. Review status: criteria provided, single submitter. Criteria: EGL Classification Definitions 2015. Collection method: clinical testing. Allele origin: germline. Observed: 4 variant alleles, 4 heterozygotes.

GeneDx
Classification: Likely benign. Last evaluated: 2017-01-10. Review status: criteria provided, single submitter. Criteria: GeneDx Variant Classification (06012015). Collection method: clinical testing. Allele origin: germline. Affected: yes.
Comment: This variant is considered likely benign or benign based on one or more of the following criteria: it is a conservative change, it occurs at a poorly conserved position in the protein, it is predicted to be benign by multiple in silico algorithms, and/or has population frequency not consistent with disease.

PreventionGenetics, part of Exact Sciences
Classification: Likely benign for PLEC-related condition. Last evaluated: 2023-09-14. Review status: no assertion criteria provided. Collection method: clinical testing. Allele origin: germline. Not counted in ClinVar's aggregate classification.
Comment: This variant is classified as likely benign based on ACMG/AMP sequence variant interpretation guidelines (Richards et al. 2015 PMID: 25741868, with internal and published modifications).

NM_201384.3(PLEC):c.2642C>T (p.Thr881Met)

Gene: PLEC (plectin; minus strand). Cytogenetic location: 8q24.3.
Variant type: single nucleotide variant.
Coding change: c.2642C>T on transcript NM_201384.3 (MANE Select); coding-DNA position 2642, C replaced by T.
Protein change: p.Thr881Met; replaces threonine 881 with methionine.
Molecular consequence: missense variant.
Genome position (GRCh38, 1-based): chr8:143,930,033, G>A on the plus strand (C>T on the coding strand, the complement: PLEC is on the minus strand). VCF-style: chr8-143930033-G-A. GRCh37 (hg19) VCF-style: chr8-145004201-G-A.
Other names: c.2723C>T, p.Thr908Met (NM_000445.5); c.2600C>T, p.Thr867Met (NM_201378.4); c.2576C>T, p.Thr859Met (NM_201379.3); c.3053C>T, p.Thr1018Met (NM_201380.4); c.2546C>T, p.Thr849Met (NM_201381.3); c.2642C>T, p.Thr881Met (NM_201382.4); c.2654C>T, p.Thr885Met (NM_201383.3); short protein forms T1018M, T849M, T859M, T867M, T881M, T885M, T908M.
Identifiers: ClinVar variation 386366 (VCV000386366.19), dbSNP rs200611519, ClinGen allele CA4927429.